The following is an entry in ClinVar:

NM_000553.6(WRN):c.59A>G (p.Asn20Ser)

Gene: WRN (WRN RecQ like helicase; plus strand). Cytogenetic location: 8p12.
Variant type: single nucleotide variant.
Coding change: c.59A>G on transcript NM_000553.6 (MANE Select); coding-DNA position 59, A replaced by G.
Protein change: p.Asn20Ser; replaces asparagine 20 with serine.
Molecular consequence: missense variant.
Genome position (GRCh38, 1-based): chr8:31,058,506, A>G. VCF-style: chr8-31058506-A-G. GRCh37 (hg19) VCF-style: chr8-30916022-A-G.
Other names: short protein forms N20S.
Identifiers: ClinVar variation 1510469 (VCV001510469.5), dbSNP rs1554518179, ClinGen allele CA370912194.

ClinVar aggregate classification (germline): Uncertain significance (1 of 4 stars; one submission).

Conditions:
Werner syndrome (WRN). Identifiers: Orphanet 902, MedGen C0043119, MONDO:0010196, OMIM 277700.

Allele frequency attached by ClinVar (database versions not stated): gnomAD exomes below 0.00001.
gnomAD v4.1: 1 of 1,613,872 alleles (0.000062%); highest among the groups gnomAD compares: Non-Finnish European, 0.000085%; no homozygotes.

Submission:

Labcorp Genetics (formerly Invitae), Labcorp
Classification: Uncertain significance for Werner syndrome. Last evaluated: 2022-07-19. Review status: criteria provided, single submitter. Criteria: Invitae Variant Classification Sherloc (09022015). Collection method: clinical testing. Allele origin: germline.
Comment: This sequence change replaces asparagine, which is neutral and polar, with serine, which is neutral and polar, at codon 20 of the WRN protein (p.Asn20Ser). This variant is not present in population databases (gnomAD no frequency). This variant has not been reported in the literature in individuals affected with WRN-related conditions. ClinVar contains an entry for this variant (Variation ID: 1510469). Algorithms developed to predict the effect of missense changes on protein structure and function output the following: SIFT: "Not Available"; PolyPhen-2: "Benign"; Align-GVGD: "Not Available". The serine amino acid residue is found in multiple mammalian species, which suggests that this missense change does not adversely affect protein function. In summary, the available evidence is currently insufficient to determine the role of this variant in disease. Therefore, it has been classified as a Variant of Uncertain Significance.